The following is an entry in ClinVar:

NM_003476.5(CSRP3):c.398T>C (p.Val133Ala)

Gene: CSRP3 (cysteine and glycine rich protein 3; minus strand). Cytogenetic location: 11p15.1.
Variant type: single nucleotide variant.
Coding change: c.398T>C on transcript NM_003476.5 (MANE Select); coding-DNA position 398, T replaced by C.
Protein change: p.Val133Ala; replaces valine 133 with alanine.
Molecular consequence: missense variant. On other transcripts: synonymous variant (1).
Genome position (GRCh38, 1-based): chr11:19,186,232, A>G on the plus strand (T>C on the coding strand, the complement: CSRP3 is on the minus strand). VCF-style: chr11-19186232-A-G. GRCh37 (hg19) VCF-style: chr11-19207779-A-G.
Other names: c.229T>C, p.Leu77= (NM_001369404.1); short protein forms V133A.
Identifiers: ClinVar variation 4785538 (VCV004785538.2).

ClinVar aggregate classification (germline): Uncertain significance. Review status: criteria provided, multiple submitters, no conflicts (2 of 4 stars). 2 submissions from 2 submitters: Uncertain significance (2). Last evaluated 2026-03-16.

Conditions:
Dilated cardiomyopathy 1M (CMD1M). Identifiers: Orphanet 154, MedGen C1843808, MONDO:0011840, OMIM 607482.
Hypertrophic cardiomyopathy 12. Identifiers: MedGen C2677491, MONDO:0012804, OMIM 612124.

Submissions (2):

Women's Health and Genetics/Laboratory Corporation of America, LabCorp
Classification: Uncertain significance. Last evaluated: 2026-03-16. Review status: criteria provided, single submitter. Criteria: LabCorp Variant Classification Summary - May 2015. Collection method: clinical testing. Allele origin: germline.
Comment: Variant summary: CSRP3 c.398T>C (p.Val133Ala) results in a non-conservative amino acid change in the encoded protein sequence. Algorithms developed to predict the effect of missense changes on protein structure and function all suggest that this variant is likely to be disruptive. The variant was absent in 251342 control chromosomes. The available data on variant occurrences in the general population are insufficient to allow any conclusion about variant significance. To our knowledge, no occurrence of c.398T>C in individuals affected with CSRP3-related conditions and no experimental evidence demonstrating its impact on protein function have been reported. ClinVar contains an entry for this variant (Variation ID: 4785538). Based on the evidence outlined above, the variant was classified as uncertain significance.

Labcorp Genetics (formerly Invitae), Labcorp
Classification: Uncertain significance for Hypertrophic cardiomyopathy 12; Dilated cardiomyopathy 1M. Last evaluated: 2025-10-07. Review status: criteria provided, single submitter. Criteria: Invitae Variant Classification Sherloc (09022015). Collection method: clinical testing. Allele origin: germline.
Comment: This sequence change replaces valine, which is neutral and non-polar, with alanine, which is neutral and non-polar, at codon 133 of the CSRP3 protein (p.Val133Ala). This variant is not present in population databases (gnomAD no frequency). This variant has not been reported in the literature in individuals affected with CSRP3-related conditions. An algorithm developed to predict the effect of missense changes on protein structure and function (PolyPhen-2) suggests that this variant is likely to be disruptive. In summary, the available evidence is currently insufficient to determine the role of this variant in disease. Therefore, it has been classified as a Variant of Uncertain Significance.